The following is an entry in ClinVar:

NM_005012.4(ROR1):c.965G>A (p.Arg322Gln)

Gene: ROR1 (receptor tyrosine kinase like orphan receptor 1; plus strand). Cytogenetic location: 1p31.3.
Variant type: single nucleotide variant.
Coding change: c.965G>A on transcript NM_005012.4 (MANE Select); coding-DNA position 965, G replaced by A.
Protein change: p.Arg322Gln; replaces arginine 322 with glutamine.
Molecular consequence: missense variant.
Genome position (GRCh38, 1-based): chr1:64,142,441, G>A. VCF-style: chr1-64142441-G-A. GRCh37 (hg19) VCF-style: chr1-64608124-G-A.
Other names: c.965G>A, p.Arg322Gln (NM_001083592.2); short protein forms R322Q.
Identifiers: ClinVar variation 2891184 (VCV002891184.3), dbSNP rs189581966, ClinGen allele CA890187.

ClinVar aggregate classification (germline): Uncertain significance (1 of 4 stars; one submission).

Allele frequency attached by ClinVar (database versions not stated): gnomAD exomes 0.00001; TOPMed 0.00001; ExAC 0.00002; gnomAD 0.00003; ESP Exome Variant Server 0.00008; 1000 Genomes Project 30x 0.00031; 1000 Genomes Project 0.00040.
gnomAD v4.1: 16 of 1,614,070 alleles (0.00099%); highest among the groups gnomAD compares: East Asian, 0.0022%; no homozygotes.

Submission:

Labcorp Genetics (formerly Invitae), Labcorp
Classification: Uncertain significance. Last evaluated: 2023-11-27. Review status: criteria provided, single submitter. Criteria: Invitae Variant Classification Sherloc (09022015). Collection method: clinical testing. Allele origin: germline.
Comment: This sequence change replaces arginine, which is basic and polar, with glutamine, which is neutral and polar, at codon 322 of the ROR1 protein (p.Arg322Gln). This variant is present in population databases (rs189581966, gnomAD 0.003%). This variant has not been reported in the literature in individuals affected with ROR1-related conditions. Advanced modeling of protein sequence and biophysical properties (such as structural, functional, and spatial information, amino acid conservation, physicochemical variation, residue mobility, and thermodynamic stability) performed at Invitae indicates that this missense variant is not expected to disrupt ROR1 protein function with a negative predictive value of 80%. In summary, the available evidence is currently insufficient to determine the role of this variant in disease. Therefore, it has been classified as a Variant of Uncertain Significance.